The following is an entry in ClinVar:

NM_000130.5(F5):c.5689C>A (p.Gln1897Lys)

Gene: F5 (coagulation factor V; minus strand). Cytogenetic location: 1q24.2.
Variant type: single nucleotide variant.
Coding change: c.5689C>A on transcript NM_000130.5 (MANE Select); coding-DNA position 5689, C replaced by A.
Protein change: p.Gln1897Lys; replaces glutamine 1897 with lysine.
Molecular consequence: missense variant.
Genome position (GRCh38, 1-based): chr1:169,525,928, G>T on the plus strand (C>A on the coding strand, the complement: F5 is on the minus strand). VCF-style: chr1-169525928-G-T. GRCh37 (hg19) VCF-style: chr1-169495166-G-T.
Other names: short protein forms Q1897K.
Identifiers: ClinVar variation 3626980 (VCV003626980.2).

ClinVar aggregate classification (germline): Uncertain significance (1 of 4 stars; one submission).

Conditions:
Congenital factor V deficiency. Also called: Hereditary factor V deficiency disease; LABILE FACTOR DEFICIENCY; OWREN PARAHEMOPHILIA; PARAHEMOPHILIA. Identifiers: Orphanet 326, MedGen C0015499, MONDO:0009210, OMIM 227400.

gnomAD v4.1: 2 of 1,612,898 alleles (0.00012%); highest among the groups gnomAD compares: Non-Finnish European, 0.00017%; no homozygotes.

Submission:

Labcorp Genetics (formerly Invitae), Labcorp
Classification: Uncertain significance for Congenital factor V deficiency. Last evaluated: 2024-07-02. Review status: criteria provided, single submitter. Criteria: Invitae Variant Classification Sherloc (09022015). Collection method: clinical testing. Allele origin: germline.
Comment: This sequence change replaces glutamine, which is neutral and polar, with lysine, which is basic and polar, at codon 1897 of the F5 protein (p.Gln1897Lys). This variant is not present in population databases (gnomAD no frequency). This variant has not been reported in the literature in individuals affected with F5-related conditions. Advanced modeling of protein sequence and biophysical properties (such as structural, functional, and spatial information, amino acid conservation, physicochemical variation, residue mobility, and thermodynamic stability) performed at Invitae indicates that this missense variant is not expected to disrupt F5 protein function with a negative predictive value of 95%. In summary, the available evidence is currently insufficient to determine the role of this variant in disease. Therefore, it has been classified as a Variant of Uncertain Significance.